The following is an entry in ClinVar:

ClinVar aggregate classification (germline): Likely benign. Review status: criteria provided, multiple submitters, no conflicts (2 of 4 stars). 3 submissions from 3 submitters: Likely benign (2). 1 of the submissions does not count toward it. Last evaluated 2025-12-02.

Conditions:
Neuroblastoma, susceptibility to, 3. Also called: ALK-Related Neuroblastic Tumor Susceptibility. Identifiers: Orphanet 635, MedGen C2751681, MONDO:0013083, OMIM 613014.
Hereditary cancer-predisposing syndrome. Also called: Hereditary neoplastic syndrome; Tumor predisposition; Hereditary Cancer Syndrome; Neoplastic Syndromes, Hereditary. Identifiers: Orphanet 140162, MedGen C0027672, MeSH D009386, MONDO:0015356.
ALK-related disorder. Also called: ALK-related condition.

Allele frequency attached by ClinVar (database versions not stated): gnomAD exomes below 0.00001; gnomAD 0.00005 and 0.00006; TOPMed 0.00006.
gnomAD v4.1: 16 of 1,613,986 alleles (0.00099%); highest among the groups gnomAD compares: African/African-American, 0.0067%; no homozygotes.

Submissions (3):

Labcorp Genetics (formerly Invitae), Labcorp
Classification: Likely benign for Neuroblastoma, susceptibility to, 3. Last evaluated: 2025-12-02. Review status: criteria provided, single submitter. Criteria: Invitae Variant Classification Sherloc (09022015). Collection method: clinical testing. Allele origin: germline.

Ambry Genetics
Classification: Likely benign for Hereditary cancer-predisposing syndrome. Last evaluated: 2022-02-21. Review status: criteria provided, single submitter. Criteria: Ambry Variant Classification Scheme 2023. Collection method: clinical testing. Allele origin: germline.

PreventionGenetics, part of Exact Sciences
Classification: Likely benign for ALK-related condition. Last evaluated: 2022-09-27. Review status: no assertion criteria provided. Collection method: clinical testing. Allele origin: germline. Not counted in ClinVar's aggregate classification.
Comment: This variant is classified as likely benign based on ACMG/AMP sequence variant interpretation guidelines (Richards et al. 2015 PMID: 25741868, with internal and published modifications).

NM_004304.5(ALK):c.1050G>A (p.Ser350=)

Gene: ALK (ALK receptor tyrosine kinase; minus strand). Cytogenetic location: 2p23.2.
Variant type: single nucleotide variant.
Coding change: c.1050G>A on transcript NM_004304.5 (MANE Select); coding-DNA position 1050, G replaced by A.
Protein change: p.Ser350=; no amino-acid change (serine 350 retained).
Molecular consequence: synonymous variant.
Genome position (GRCh38, 1-based): chr2:29,532,019, C>T on the plus strand (G>A on the coding strand, the complement: ALK is on the minus strand). VCF-style: chr2-29532019-C-T. GRCh37 (hg19) VCF-style: chr2-29754885-C-T.
Identifiers: ClinVar variation 577505 (VCV000577505.13), dbSNP rs749145522, ClinGen allele CA44957094.